The following is an entry in ClinVar:

NM_000038.6(APC):c.3197G>A (p.Arg1066Lys)

Gene: APC (APC regulator of WNT signaling pathway; plus strand). Cytogenetic location: 5q22.2.
Variant type: single nucleotide variant.
Coding change: c.3197G>A on transcript NM_000038.6 (MANE Select); coding-DNA position 3197, G replaced by A.
Protein change: p.Arg1066Lys; replaces arginine 1066 with lysine.
Molecular consequence: missense variant.
Genome position (GRCh38, 1-based): chr5:112,838,791, G>A. VCF-style: chr5-112838791-G-A. GRCh37 (hg19) VCF-style: chr5-112174488-G-A.
Other names: c.3197G>A, p.Arg1066Lys (NM_001127510.3, NM_001354895.2); c.3143G>A, p.Arg1048Lys (NM_001127511.3); c.3251G>A, p.Arg1084Lys (NM_001354896.2); c.3227G>A, p.Arg1076Lys (NM_001354897.2); c.3122G>A, p.Arg1041Lys (NM_001354898.2); c.3113G>A, p.Arg1038Lys (NM_001354899.2); c.3074G>A, p.Arg1025Lys (NM_001354900.2); c.3020G>A, p.Arg1007Lys (NM_001354901.2); and 5 more; short protein forms R1048K, R1066K, R1041K, R783K, R906K, R940K, R1007K, R1025K.
Identifiers: ClinVar variation 133527 (VCV000133527.1), dbSNP rs587778039, ClinGen allele CA008146.
Genomic context (GRCh38, chr5:112,838,791, plus strand): 5'-ATGAAAGATGGGCAAGACCCAAACACATAATAGAAGATGAAATAAAACAAAGTGAGCAAA[G>A]ACAATCAAGGAATCAAAGTACAACTTATCCTGTTTATACTGAGAGCACTGATGATAAACA-3'
Protein context (NP_000029.2, residues 1056-1076): IEDEIKQSEQ[Arg1066Lys]QSRNQSTTYP

ClinVar aggregate classification (germline): not provided (0 of 4 stars; one submission).

Submission:

ITMI
No classification provided. Condition: AllHighlyPenetrant. Last evaluated: 2013-09-19. Review status: no classification provided. Collection method: reference population. Allele origin: germline.
Comment: Please see associated publication for description of ethnicities

Literature cited by the submitters: PubMed 24728327.